The following is an entry in ClinVar:

ClinVar aggregate classification (germline): Uncertain significance (1 of 4 stars; one submission).

Submission:

Ambry Genetics
Classification: Uncertain significance. Last evaluated: 2022-12-15. Review status: criteria provided, single submitter. Criteria: Ambry Variant Classification Scheme 2023. Collection method: clinical testing. Allele origin: germline.
Comment: The p.S5Y variant (also known as c.14C>A), located in coding exon 1 of the PALLD gene, results from a C to A substitution at nucleotide position 14. The serine at codon 5 is replaced by tyrosine, an amino acid with dissimilar properties. This amino acid position is conserved. In addition, the in silico prediction for this alteration is inconclusive. Since supporting evidence is limited at this time, the clinical significance of this alteration remains unclear.

NM_001166108.2(PALLD):c.14C>A (p.Ser5Tyr)

Gene: PALLD (palladin, cytoskeletal associated protein; plus strand). Cytogenetic location: 4q32.3.
Variant type: single nucleotide variant.
Coding change: c.14C>A on transcript NM_001166108.2 (MANE Select); coding-DNA position 14, C replaced by A.
Protein change: p.Ser5Tyr; replaces serine 5 with tyrosine.
Molecular consequence: missense variant.
Genome position (GRCh38, 1-based): chr4:168,511,518, C>A. VCF-style: chr4-168511518-C-A. GRCh37 (hg19) VCF-style: chr4-169432669-C-A.
Other names: c.14C>A, p.Ser5Tyr (NM_016081.4); short protein forms S5Y.
Identifiers: ClinVar variation 2497015 (VCV002497015.2), dbSNP rs1332537876, ClinGen allele CA358723943.